The following is an entry in ClinVar:

NM_001367624.2(ZNF469):c.2122G>A (p.Ala708Thr)

Gene: ZNF469 (zinc finger protein 469; plus strand). Cytogenetic location: 16q24.2.
Variant type: single nucleotide variant.
Coding change: c.2122G>A on transcript NM_001367624.2 (MANE Select); coding-DNA position 2122, G replaced by A.
Protein change: p.Ala708Thr; replaces alanine 708 with threonine.
Molecular consequence: missense variant.
Genome position (GRCh38, 1-based): chr16:88,429,592, G>A. VCF-style: chr16-88429592-G-A. GRCh37 (hg19) VCF-style: chr16-88496000-G-A.
Other names: NM_001127464.1:c.2122G>A; short protein forms A708T.
Identifiers: ClinVar variation 3232769 (VCV003232769.1), dbSNP rs1296117252, ClinGen allele CA397069929.
Genomic context (GRCh38, chr16:88,429,592, plus strand): 5'-ACCCCATTCCCCCACGAGGGCCCCGAGGTGGGTCGGGGAGGGCTGCAGGGCTTCCCCCGT[G>A]CGCCGCCTCCGTACCCCACACACCACTTCTCCCTCAGCAGCGCCAGCCTGGACCAGCTGG-3'
Protein context (NP_001354553.1, residues 698-718): GRGGLQGFPR[Ala708Thr]PPPYPTHHFS

ClinVar aggregate classification (germline): Uncertain significance (1 of 4 stars; one submission).

Conditions:
Cardiovascular phenotype. Identifiers: MedGen CN230736.

Submission:

Ambry Genetics
Classification: Uncertain significance for Cardiovascular phenotype. Last evaluated: 2023-10-19. Review status: criteria provided, single submitter. Criteria: Ambry Variant Classification Scheme 2023. Collection method: clinical testing. Allele origin: germline.
Comment: The p.A708T variant (also known as c.2122G>A), located in coding exon 1 of the ZNF469 gene, results from a G to A substitution at nucleotide position 2122. The alanine at codon 708 is replaced by threonine, an amino acid with similar properties. This amino acid position is conserved. In addition, this alteration is predicted to be tolerated by in silico analysis. Since supporting evidence is limited at this time, the clinical significance of this alteration remains unclear.